The following is an entry in ClinVar:

NM_001142800.2(EYS):c.586A>C (p.Lys196Gln)

Gene: EYS (EGF-like photoreceptor maintenance factor; minus strand). Cytogenetic location: 6q12.
Variant type: single nucleotide variant.
Coding change: c.586A>C on transcript NM_001142800.2 (MANE Select); coding-DNA position 586, A replaced by C.
Protein change: p.Lys196Gln; replaces lysine 196 with glutamine.
Molecular consequence: missense variant.
Genome position (GRCh38, 1-based): chr6:65,494,825, T>G on the plus strand (A>C on the coding strand, the complement: EYS is on the minus strand). VCF-style: chr6-65494825-T-G. GRCh37 (hg19) VCF-style: chr6-66204718-T-G.
Other names: c.586A>C, p.Lys196Gln (NM_001142801.2, NM_001292009.2, NM_198283.2); short protein forms K196Q.
Identifiers: ClinVar variation 765197 (VCV000765197.16), dbSNP rs749038401, ClinGen allele CA3878053.
Genomic context (GRCh38, chr6:65,494,825, plus strand): 5'-CATCAAGTTCCTGGCAGTATTTTCCAGAAAATGGAGGCTGGCAATGGCAGCTATATGTCT[T>G]GCTCCAAGCTTCACTAAGACATTTACCATGACCAGAGCAAAATTCTGAACTCAGAGATTC-3'
Protein context (NP_001136272.1, residues 186-206): HGKCLSEAWS[Lys196Gln]TYSCHCQPPF

ClinVar aggregate classification (germline): Conflicting classifications of pathogenicity. Review status: criteria provided, conflicting classifications (1 of 4 stars). 7 submissions from 7 submitters: Uncertain significance (6); Likely benign (1). Last evaluated 2026-06-03.

Conditions:
Retinal dystrophy. Also called: Inherited retinal dystrophy. Identifiers: Orphanet 71862, MedGen C0854723, MeSH D058499, MONDO:0019118, HP:0000556.
EYS-related disorder. Also called: EYS-related condition.
Retinitis pigmentosa 25 (RP25). Identifiers: Orphanet 791, MedGen C1864446, MONDO:0011272, OMIM 602772.

Allele frequency attached by ClinVar (database versions not stated): gnomAD 0.00005 and 0.00006; TOPMed 0.00014; gnomAD exomes 0.00018; ExAC 0.00020.
gnomAD v4.1: 127 of 1,614,116 alleles (0.0079%); highest among the groups gnomAD compares: East Asian, 0.19%; no homozygotes.

Submissions (7):

PreventionGenetics, part of Exact Sciences
Classification: Uncertain significance for EYS-related condition. Last evaluated: 2026-06-03. Review status: criteria provided, single submitter. Criteria: ACMG Guidelines, 2015. Collection method: clinical testing. Allele origin: germline.
Comment: The EYS c.586A>C variant is predicted to result in the amino acid substitution p.Lys196Gln. This variant was reported in the compound heterozygous state in an individual with retinitis pigmentosa (supplementary data, Huang et al. 2018. PubMed ID: 29641573). This variant has also been described in a large cohort of individuals with retinal disease (supplementary data, Kim et al. 2021. PubMed ID: 33946315). However, this variant is reported in 0.21% of alleles in individuals of East Asian descent in gnomAD, which is higher than expected for a disease-causing variant. At this time, the clinical significance of this variant is uncertain due to the absence of conclusive functional and genetic evidence.

Labcorp Genetics (formerly Invitae), Labcorp
Classification: Likely benign. Last evaluated: 2025-12-17. Review status: criteria provided, single submitter. Criteria: Invitae Variant Classification Sherloc (09022015). Collection method: clinical testing. Allele origin: germline.

Blueprint Genetics
Classification: Uncertain significance. Last evaluated: 2024-10-08. Review status: criteria provided, single submitter. Criteria: ACMG Guidelines, 2015. Collection method: clinical testing. Allele origin: germline.

Dept Of Ophthalmology, Nagoya University
Classification: Uncertain significance for Retinal dystrophy. Last evaluated: 2023-10-01. Review status: criteria provided, single submitter. Criteria: Submitter's publication. Collection method: research. Allele origin: germline. Affected: yes.

Department of Pathology and Laboratory Medicine, Sinai Health System
Classification: Uncertain significance for Retinitis pigmentosa 25. Last evaluated: 2022-06-23. Review status: criteria provided, single submitter. Criteria: ACMG Guidelines, 2015. Collection method: research. Allele origin: germline.

Women's Health and Genetics/Laboratory Corporation of America, LabCorp
Classification: Uncertain significance. Last evaluated: 2022-03-04. Review status: criteria provided, single submitter. Criteria: LabCorp Variant Classification Summary - May 2015. Collection method: clinical testing. Allele origin: germline.
Comment: Variant summary: EYS c.586A>C (p.Lys196Gln) results in a conservative amino acid change located in the EGF-like domain (IPR000742) of the encoded protein sequence. Four of five in-silico tools predict a benign effect of the variant on protein function. The variant allele was found at a frequency of 0.00018 in 251166 control chromosomes. This frequency is not significantly higher than estimated for a pathogenic variant in EYS causing Retinitis Pigmentosa (0.00018 vs 0.0034), allowing no conclusion about variant significance. Although reported in the literature, to our knowledge, no penetrant association of c.586A>C in individuals affected with Retinitis Pigmentosa and no experimental evidence demonstrating its impact on protein function have been reported. One clinical diagnostic laboratory has submitted clinical-significance assessments for this variant to ClinVar after 2014 without evidence for independent evaluation and classified the variant as likely benign. Based on the evidence outlined above, the variant was classified as uncertain significance.

Institute of Human Genetics, Univ. Regensburg, Univ. Regensburg
Classification: Uncertain significance for Retinal dystrophy. Last evaluated: 2019-01-01. Review status: criteria provided, single submitter. Criteria: ACMG Guidelines, 2015. Collection method: clinical testing. Allele origin: germline. Affected: yes.

Literature cited by the submitters: PubMed 29641573 (cited by Institute of Human Genetics, Univ. Regensburg, Univ. Regensburg); PubMed 34721897 (cited by Institute of Human Genetics, Univ. Regensburg, Univ. Regensburg); PubMed 33946315 (cited by Institute of Human Genetics, Univ. Regensburg, Univ. Regensburg).